The following is an entry in ClinVar:

NM_000548.5(TSC2):c.342G>C (p.Glu114Asp)

Gene: TSC2 (TSC complex subunit 2; plus strand). Cytogenetic location: 16p13.3.
Variant type: single nucleotide variant.
Coding change: c.342G>C on transcript NM_000548.5 (MANE Select); coding-DNA position 342, G replaced by C.
Protein change: p.Glu114Asp; replaces glutamic acid 114 with aspartic acid.
Molecular consequence: missense variant. On other transcripts: intron variant (1).
Genome position (GRCh38, 1-based): chr16:2,054,301, G>C. VCF-style: chr16-2054301-G-C. GRCh37 (hg19) VCF-style: chr16-2104302-G-C.
Other names: c.342G>C, p.Glu114Asp (NM_001077183.3, NM_001114382.3, NM_001363528.2 and 3 more transcripts); c.231G>C, p.Glu77Asp (NM_001318827.2); c.195G>C, p.Glu65Asp (NM_001318829.2); c.375G>C, p.Glu125Asp (NM_001318832.2); c.-1-1895G>C (NM_001318831.2); short protein forms E114D, E125D, E77D, E65D.
Identifiers: ClinVar variation 468014 (VCV000468014.11), dbSNP rs1555497542, ClinGen allele CA394306402.

ClinVar aggregate classification (germline): Conflicting classifications of pathogenicity. Review status: criteria provided, conflicting classifications (1 of 4 stars). 2 submissions from 2 submitters: Uncertain significance (1); Likely benign (1). Last evaluated 2025-05-12.

Conditions:
Hereditary cancer-predisposing syndrome. Also called: Hereditary neoplastic syndrome; Neoplastic Syndromes, Hereditary; Tumor predisposition; Hereditary Cancer Syndrome. Identifiers: Orphanet 140162, MedGen C0027672, MeSH D009386, MONDO:0015356.
Tuberous sclerosis 2 (TSC2). Identifiers: Orphanet 805, MedGen C1860707, MONDO:0013199, OMIM 613254.

Submissions (2):

Labcorp Genetics (formerly Invitae), Labcorp
Classification: Uncertain significance for Tuberous sclerosis 2. Last evaluated: 2025-05-12. Review status: criteria provided, single submitter. Criteria: Invitae Variant Classification Sherloc (09022015). Collection method: clinical testing. Allele origin: germline.
Comment: This sequence change replaces glutamic acid, which is acidic and polar, with aspartic acid, which is acidic and polar, at codon 114 of the TSC2 protein (p.Glu114Asp). This variant is not present in population databases (gnomAD no frequency). This variant has not been reported in the literature in individuals affected with TSC2-related conditions. ClinVar contains an entry for this variant (Variation ID: 468014). Invitae Evidence Modeling of protein sequence and biophysical properties (such as structural, functional, and spatial information, amino acid conservation, physicochemical variation, residue mobility, and thermodynamic stability) indicates that this missense variant is not expected to disrupt TSC2 protein function with a negative predictive value of 95%. In summary, the available evidence is currently insufficient to determine the role of this variant in disease. Therefore, it has been classified as a Variant of Uncertain Significance.

Ambry Genetics
Classification: Likely benign for Hereditary cancer-predisposing syndrome. Last evaluated: 2022-10-22. Review status: criteria provided, single submitter. Criteria: Ambry Variant Classification Scheme 2023. Collection method: clinical testing. Allele origin: germline.